The following is an entry in ClinVar:

ClinVar aggregate classification (germline): Uncertain significance (1 of 4 stars; one submission).

Conditions:
Sulfite oxidase deficiency due to molybdenum cofactor deficiency type C. Also called: Molybdenum cofactor deficiency, complementation group C; Molybdenum cofactor deficiency C. Identifiers: Orphanet 308400, Orphanet 833, MedGen C1854990, MONDO:0014212, OMIM 615501.

Allele frequency attached by ClinVar (database versions not stated): ExAC 0.00001.

Submission:

Labcorp Genetics (formerly Invitae), Labcorp
Classification: Uncertain significance for Sulfite oxidase deficiency due to molybdenum cofactor deficiency type C. Last evaluated: 2023-04-15. Review status: criteria provided, single submitter. Criteria: Invitae Variant Classification Sherloc (09022015). Collection method: clinical testing. Allele origin: germline.
Comment: This sequence change replaces asparagine, which is neutral and polar, with aspartic acid, which is acidic and polar, at codon 38 of the GPHN protein (p.Asn38Asp). In summary, the available evidence is currently insufficient to determine the role of this variant in disease. Therefore, it has been classified as a Variant of Uncertain Significance. Advanced modeling of protein sequence and biophysical properties (such as structural, functional, and spatial information, amino acid conservation, physicochemical variation, residue mobility, and thermodynamic stability) performed at Invitae indicates that this missense variant is not expected to disrupt GPHN protein function. This variant has not been reported in the literature in individuals affected with GPHN-related conditions. This variant is not present in population databases (gnomAD no frequency).

NM_020806.5(GPHN):c.112A>G (p.Asn38Asp)

Gene: GPHN (gephyrin; plus strand). Cytogenetic location: 14q23.3.
Variant type: single nucleotide variant.
Coding change: c.112A>G on transcript NM_020806.5 (MANE Select); coding-DNA position 112, A replaced by G.
Protein change: p.Asn38Asp; replaces asparagine 38 with aspartic acid.
Molecular consequence: missense variant.
Genome position (GRCh38, 1-based): chr14:66,681,154, A>G. VCF-style: chr14-66681154-A-G. GRCh37 (hg19) VCF-style: chr14-67147872-A-G.
Other names: c.112A>G, p.Asn38Asp (NM_001024218.2, NM_001377514.1, NM_001377515.1 and 4 more transcripts); short protein forms N38D.
Identifiers: ClinVar variation 2835486 (VCV002835486.3), dbSNP rs765706197, ClinGen allele CA7233636.